The following is an entry in ClinVar:

ClinVar aggregate classification (germline): Pathogenic/Likely pathogenic. Review status: criteria provided, multiple submitters, no conflicts (2 of 4 stars). 6 submissions from 6 submitters: Pathogenic (3); Likely pathogenic (2). 1 of the submissions does not count toward it. Last evaluated 2026-04-08.

Conditions:
ALDOB-related disorder. Also called: ALDOB-related condition.
Hereditary fructosuria. Also called: ALDOB DEFICIENCY; ALDOLASE B DEFICIENCY; FRUCTOSE-1,6-BISPHOSPHATE ALDOLASE B DEFICIENCY; FRUCTOSE-1-PHOSPHATE ALDOLASE DEFICIENCY; FRUCTOSEMIA; Hereditary fructose intolerance. Identifiers: Orphanet 469, MedGen C0016751, MONDO:0009249, OMIM 229600, HP:0005973. Disease mechanism: loss of function.

Allele frequency attached by ClinVar (database versions not stated): gnomAD 0.00003 and 0.00005; TOPMed 0.00006; 1000 Genomes Project 0.00020; 1000 Genomes Project 30x 0.00031.

Submissions (6):

PreventionGenetics, part of Exact Sciences
Classification: Likely pathogenic for ALDOB-related condition. Last evaluated: 2026-04-08. Review status: criteria provided, single submitter. Criteria: ACMG Guidelines, 2015. Collection method: clinical testing. Allele origin: germline.
Comment: The ALDOB c.-11+1G>C variant is located in the 5' untranslated region. This variant affects the splicing of the 5' untranslated region of ALDOB. This variant has been reported in individuals with fructose intolerance (Coffee et al. 2010. PubMed ID: 20882353). RNA studies reveal that this variant disrupt splicing and causes complete retention of the first intron (Coffee et al. 2010. PubMed ID: 20882353). Luciferase reporter assays revealed that this variant results in loss of luciferase activity (Coffee et al. 2010. PubMed ID: 20882353).This variant is reported in 0.12% of alleles in individuals of Latino descent in gnomAD v2. However, in gnomAD v4 (available only on GRCh38), this variant is reported in 0.046% of alleles in individuals of Latino descent, including zero homozygotes. This variant is interpreted as likely pathogenic.

Labcorp Genetics (formerly Invitae), Labcorp
Classification: Pathogenic for Hereditary fructosuria. Last evaluated: 2025-12-01. Review status: criteria provided, single submitter. Criteria: Invitae Variant Classification Sherloc (09022015). Collection method: clinical testing. Allele origin: germline.
Comment: This sequence change falls in intron 1 of the ALDOB gene. It does not directly change the encoded amino acid sequence of the ALDOB protein. This variant is present in population databases (rs181639417, gnomAD 0.1%). This variant has been observed in individual(s) with fructose intolerance (PMID: 20882353; internal data). In at least one individual the data is consistent with being in trans (on the opposite chromosome) from a pathogenic variant. This variant is also known as IVS1+1G>C. ClinVar contains an entry for this variant (Variation ID: 495347). Studies have shown that this variant alters ALDOB gene expression (PMID: 20882353). Algorithms developed to predict the effect of sequence changes on RNA splicing suggest that this variant may disrupt the consensus splice site. For these reasons, this variant has been classified as Pathogenic.

Natera, Inc.
Classification: Pathogenic for Fructose intolerance. Last evaluated: 2025-11-24. Review status: criteria provided, single submitter. Criteria: Natera Variant Classification Schema (03/2026). Collection method: clinical testing. Allele origin: germline.
Comment: The c.-11+1G>C variant in ALDOB is a 5' untranslated region (UTR) variant located upstream of the translation start codon. This variant is rare in the general population with a frequency below the threshold expected for the associated phenotype(s). This variant has been observed in one or more individuals affected with the associated recessive disease, as either homozygous or compound heterozygous with a second variant (PMID: 20882353). Functional studies show that this variant may disrupt protein function (PMID: 20882353). Given the available evidence, this variant is classified as Pathogenic.

Myriad Genetics, Inc.
Classification: Likely pathogenic for Hereditary fructosuria. Last evaluated: 2021-11-01. Review status: criteria provided, single submitter. Criteria: Myriad Women's Health Autosomal Recessive and X-Linked Classification Criteria (2021). Collection method: clinical testing. Allele origin: unknown.
Comment: NM_000035.3(ALDOB):c.-11+1G>C is a canonical splice variant classified as likely pathogenic in the context of hereditary fructose intolerance. c.-11+1G>C has been observed in cases with relevant disease (PMID: 20882353). Functional assessments of this variant are available in the literature (PMID: 20882353). c.-11+1G>C has been observed in population frequency databases (gnomAD: AMR 0.12%). In summary, NM_000035.3(ALDOB):c.-11+1G>C is a canonical splice variant that has functional support for pathogenicity and has been observed more frequently in cases with the relevant disease than in healthy populations. Please note: this variant was assessed in the context of healthy population screening.

Women's Health and Genetics/Laboratory Corporation of America, LabCorp
Classification: Pathogenic for Hereditary fructosuria. Last evaluated: 2016-02-12. Review status: criteria provided, single submitter. Criteria: LabCorp Variant Classification Summary - May 2015. Collection method: clinical testing. Allele origin: germline.
Comment: Variant summary: Variant affects a conserved nucleotide located at the donor splice site of the first exon. Mutation taster predicts the variant to be disease causing and 5/5 in silico tools predict the variant to result in the elimination of the splice donor site. The variant was found in the cohort of 1000G at a very low allele frequency (1/5008). It was also reported in HFI patients with potentially pathogenic ALDOB mutation in trans indicating pathogenicity. Furthermore, the variant was shown to result in aberrant splicing leading to complete retention of the first intron and consequently to the loss of ALDOB expression (Coffee_JIMD_2010). A reputable database classifies variant as pathogenic (without evidence to impenitently evaluate). Considering all evidence, the variant was classified as Pathogenic.

ATS em Genética Clínica, Universidade Federal do Rio Grande do Sul
Classification: Likely pathogenic for Hereditary fructosuria. Last evaluated: 2021-03-18. Review status: no assertion criteria provided. Collection method: literature only. Allele origin: unknown. Affected: yes. Not counted in ClinVar's aggregate classification.

Literature cited by the submitters: PubMed 20882353 (cited by 5 submitters).

NM_000035.4(ALDOB):c.-11+1G>C

Gene: ALDOB (aldolase, fructose-bisphosphate B; minus strand). Cytogenetic location: 9q31.1.
Variant type: single nucleotide variant.
Coding change: c.-11+1G>C on transcript NM_000035.4 (MANE Select); the canonical splice donor site of the intron after 11 bases upstream of the start codon, G replaced by C.
Molecular consequence: splice donor variant.
Genome position (GRCh38, 1-based): chr9:101,435,708, C>G on the plus strand (G>C on the coding strand, the complement: ALDOB is on the minus strand). VCF-style: chr9-101435708-C-G. GRCh37 (hg19) VCF-style: chr9-104197990-C-G.
Identifiers: ClinVar variation 495347 (VCV000495347.20), dbSNP rs181639417, ClinGen allele CA196959550.